The following is an entry in ClinVar:

NM_006949.4(STXBP2):c.139A>G (p.Met47Val)

Gene: STXBP2 (syntaxin binding protein 2; plus strand). Cytogenetic location: 19p13.2.
Variant type: single nucleotide variant.
Coding change: c.139A>G on transcript NM_006949.4 (MANE Select); coding-DNA position 139, A replaced by G.
Protein change: p.Met47Val; replaces methionine 47 with valine.
Molecular consequence: missense variant. On other transcripts: non-coding transcript variant (1).
Genome position (GRCh38, 1-based): chr19:7,639,070, A>G. VCF-style: chr19-7639070-A-G. GRCh37 (hg19) VCF-style: chr19-7703956-A-G.
Other names: c.139A>G, p.Met47Val (NM_001127396.3, NM_001272034.2); c.43A>G, p.Met15Val (NM_001414484.1); short protein forms M15V, M47V.
Identifiers: ClinVar variation 2016869 (VCV002016869.4), dbSNP rs2512683131, ClinGen allele CA403155399.

ClinVar aggregate classification (germline): Uncertain significance (1 of 4 stars; one submission).

Conditions:
Familial hemophagocytic lymphohistiocytosis 5. Also called: STXBP2-Related Familial Hemophagocytic Lymphohistiocytosis (STXBP2-fHLH). Identifiers: Orphanet 540, MedGen C2751293, MONDO:0013135, OMIM 613101.

Submission:

Labcorp Genetics (formerly Invitae), Labcorp
Classification: Uncertain significance for Familial hemophagocytic lymphohistiocytosis 5. Last evaluated: 2022-07-24. Review status: criteria provided, single submitter. Criteria: Invitae Variant Classification Sherloc (09022015). Collection method: clinical testing. Allele origin: germline.
Comment: This sequence change replaces methionine, which is neutral and non-polar, with valine, which is neutral and non-polar, at codon 47 of the STXBP2 protein (p.Met47Val). This variant is not present in population databases (gnomAD no frequency). In summary, the available evidence is currently insufficient to determine the role of this variant in disease. Therefore, it has been classified as a Variant of Uncertain Significance. Algorithms developed to predict the effect of missense changes on protein structure and function are either unavailable or do not agree on the potential impact of this missense change (SIFT: "Tolerated"; PolyPhen-2: "Probably Damaging"; Align-GVGD: "Class C0"). This variant has not been reported in the literature in individuals affected with STXBP2-related conditions.